The following is an entry in ClinVar:

NM_002485.5(NBN):c.2174A>G (p.Gln725Arg)

Gene: NBN (nibrin; minus strand). Cytogenetic location: 8q21.3.
Variant type: single nucleotide variant.
Coding change: c.2174A>G on transcript NM_002485.5 (MANE Select); coding-DNA position 2174, A replaced by G.
Protein change: p.Gln725Arg; replaces glutamine 725 with arginine.
Molecular consequence: missense variant.
Genome position (GRCh38, 1-based): chr8:89,943,263, T>C on the plus strand (A>G on the coding strand, the complement: NBN is on the minus strand). VCF-style: chr8-89943263-T-C. GRCh37 (hg19) VCF-style: chr8-90955491-T-C.
Other names: c.1928A>G, p.Gln643Arg (NM_001024688.3); short protein forms Q643R, Q725R.
Identifiers: ClinVar variation 925004 (VCV000925004.14), dbSNP rs878854510, ClinGen allele CA371675302.

ClinVar aggregate classification (germline): Uncertain significance. Review status: criteria provided, multiple submitters, no conflicts (2 of 4 stars). 5 submissions from 5 submitters: Uncertain significance (5). Last evaluated 2024-02-03.

Conditions:
Hereditary cancer-predisposing syndrome. Also called: Hereditary Cancer Syndrome; Hereditary neoplastic syndrome; Neoplastic Syndromes, Hereditary; Tumor predisposition. Identifiers: Orphanet 140162, MedGen C0027672, MeSH D009386, MONDO:0015356.
Microcephaly, normal intelligence and immunodeficiency (NBS). Also called: Ataxia telangiectasia variant V1; IMMUNODEFICIENCY, MICROCEPHALY, AND CHROMOSOMAL INSTABILITY; SEEMANOVA SYNDROME II; Nijmegen breakage syndrome; Microcephaly with normal intelligence immunodeficiency and lymphoreticular malignancies; Nonsyndromal microcephaly autosomal recessive with normal intelligence. Identifiers: Orphanet 647, MedGen C0398791, MONDO:0009623, OMIM 251260.
Aplastic anemia. Identifiers: Orphanet 182040, Orphanet 88, MedGen C0002874, MONDO:0015909, OMIM 609135, HP:0001915.

Allele frequency attached by ClinVar (database versions not stated): gnomAD exomes 0.00001; TOPMed 0.00001.

Submissions (5):

Baylor Genetics
Classification: Uncertain significance for Aplastic anemia. Last evaluated: 2024-02-03. Review status: criteria provided, single submitter. Criteria: ACMG Guidelines, 2015. Collection method: clinical testing. Allele origin: unknown.

GeneDx
Classification: Uncertain significance. Last evaluated: 2023-06-14. Review status: criteria provided, single submitter. Criteria: GeneDx Variant Classification Process June 2021. Collection method: clinical testing. Allele origin: germline. Affected: yes.
Comment: Not observed at significant frequency in large population cohorts (gnomAD); In silico analysis supports that this missense variant does not alter protein structure/function; Has not been previously published as pathogenic or benign to our knowledge

Ambry Genetics
Classification: Uncertain significance for Hereditary cancer-predisposing syndrome. Last evaluated: 2023-05-06. Review status: criteria provided, single submitter. Criteria: Ambry Variant Classification Scheme 2023. Collection method: clinical testing. Allele origin: germline.
Comment: The p.Q725R variant (also known as c.2174A>G), located in coding exon 14 of the NBN gene, results from an A to G substitution at nucleotide position 2174. The glutamine at codon 725 is replaced by arginine, an amino acid with highly similar properties. This amino acid position is well conserved in available vertebrate species. In addition, this alteration is predicted to be tolerated by in silico analysis. Since supporting evidence is limited at this time, the clinical significance of this alteration remains unclear.

Labcorp Genetics (formerly Invitae), Labcorp
Classification: Uncertain significance for Microcephaly, normal intelligence and immunodeficiency. Last evaluated: 2022-08-15. Review status: criteria provided, single submitter. Criteria: Invitae Variant Classification Sherloc (09022015). Collection method: clinical testing. Allele origin: germline.
Comment: This sequence change replaces glutamine, which is neutral and polar, with arginine, which is basic and polar, at codon 725 of the NBN protein (p.Gln725Arg). This variant is present in population databases (no rsID available, gnomAD 0.006%). This variant has not been reported in the literature in individuals affected with NBN-related conditions. ClinVar contains an entry for this variant (Variation ID: 925004). Algorithms developed to predict the effect of missense changes on protein structure and function (SIFT, PolyPhen-2, Align-GVGD) all suggest that this variant is likely to be tolerated. In summary, the available evidence is currently insufficient to determine the role of this variant in disease. Therefore, it has been classified as a Variant of Uncertain Significance.

Genome-Nilou Lab
Classification: Uncertain significance for Microcephaly, normal intelligence and immunodeficiency. Last evaluated: 2021-11-07. Review status: criteria provided, single submitter. Criteria: ACMG Guidelines, 2015. Collection method: clinical testing. Allele origin: germline. Affected: no.